The following is an entry in ClinVar:

ClinVar aggregate classification (germline): Conflicting classifications of pathogenicity. Review status: criteria provided, conflicting classifications (1 of 4 stars). 5 submissions from 5 submitters: Uncertain significance (2); Likely benign (3). Last evaluated 2026-04-09.

Conditions:
PDE6A-related disorder. Also called: PDE6A-related condition.
Retinal dystrophy. Also called: Inherited retinal dystrophy. Identifiers: Orphanet 71862, MedGen C0854723, MeSH D058499, MONDO:0019118, HP:0000556.
Retinitis pigmentosa (RP). Identifiers: Orphanet 791, MedGen C0035334, MeSH D012174, MONDO:0019200, OMIM 268000. Inheritance: Autosomal dominant, autosomal recessive and X linked inheritance.

Allele frequency attached by ClinVar (database versions not stated): gnomAD exomes 0.00027 and 0.00008; ExAC 0.00033; 1000 Genomes Project 30x 0.00094; 1000 Genomes Project 0.00120; gnomAD 0.00019 and 0.00023; ESP Exome Variant Server 0.00023; TOPMed 0.00025.
gnomAD v4.1: 166 of 1,613,186 alleles (0.01%); highest among the groups gnomAD compares: East Asian, 0.28%; 2 homozygotes.

Submissions (5):

PreventionGenetics, part of Exact Sciences
Classification: Likely benign for PDE6A-related condition. Last evaluated: 2026-04-09. Review status: criteria provided, single submitter. Criteria: ACMG Guidelines, 2015. Collection method: clinical testing. Allele origin: germline.
Comment: This variant is classified as likely benign based on ACMG/AMP sequence variant interpretation guidelines (Richards et al. 2015 PMID: 25741868, with internal and published modifications).

Labcorp Genetics (formerly Invitae), Labcorp
Classification: Likely benign. Last evaluated: 2026-01-01. Review status: criteria provided, single submitter. Criteria: Invitae Variant Classification Sherloc (09022015). Collection method: clinical testing. Allele origin: germline.

Blueprint Genetics
Classification: Likely benign. Last evaluated: 2023-11-07. Review status: criteria provided, single submitter. Criteria: ACMG Guidelines, 2015. Collection method: clinical testing. Allele origin: germline.

Dept Of Ophthalmology, Nagoya University
Classification: Uncertain significance for Retinal dystrophy. Last evaluated: 2023-10-01. Review status: criteria provided, single submitter. Criteria: Submitter's publication. Collection method: research. Allele origin: germline. Affected: yes.

Illumina Laboratory Services, Illumina
Classification: Uncertain significance for Retinitis pigmentosa. Last evaluated: 2018-01-13. Review status: criteria provided, single submitter. Criteria: ICSL Variant Classification Criteria 13 December 2019. Collection method: clinical testing. Allele origin: germline.

NM_000440.3(PDE6A):c.1936A>G (p.Ile646Val)

Gene: PDE6A (phosphodiesterase 6A; minus strand). Cytogenetic location: 5q32.
Variant type: single nucleotide variant.
Coding change: c.1936A>G on transcript NM_000440.3 (MANE Select); coding-DNA position 1936, A replaced by G.
Protein change: p.Ile646Val; replaces isoleucine 646 with valine.
Molecular consequence: missense variant.
Genome position (GRCh38, 1-based): chr5:149,884,570, T>C on the plus strand (A>G on the coding strand, the complement: PDE6A is on the minus strand). VCF-style: chr5-149884570-T-C. GRCh37 (hg19) VCF-style: chr5-149264133-T-C.
Other names: short protein forms I646V.
Identifiers: ClinVar variation 351985 (VCV000351985.18), dbSNP rs147047715, ClinGen allele CA3504459.